The following is an entry in ClinVar:

ClinVar aggregate classification (germline): Uncertain significance (1 of 4 stars; one submission).

gnomAD v4.1: 3 of 1,614,080 alleles (0.00019%); highest among the groups gnomAD compares: Non-Finnish European, 0.00025%; no homozygotes.

Submission:

Ambry Genetics
Classification: Uncertain significance. Last evaluated: 2025-03-20. Review status: criteria provided, single submitter. Criteria: Ambry Variant Classification Scheme 2023. Collection method: clinical testing. Allele origin: germline.
Comment: The p.D300E variant (also known as c.900C>A), located in coding exon 7 of the RNF43 gene, results from a C to A substitution at nucleotide position 900. The aspartic acid at codon 300 is replaced by glutamic acid, an amino acid with highly similar properties. This amino acid position is conserved. In addition, the in silico prediction for this alteration is inconclusive. Based on the available evidence, the clinical significance of this variant remains unclear.

NM_017763.6(RNF43):c.900C>A (p.Asp300Glu)

Gene: RNF43 (ring finger protein 43; minus strand). Cytogenetic location: 17q22.
Variant type: single nucleotide variant.
Coding change: c.900C>A on transcript NM_017763.6 (MANE Select); coding-DNA position 900, C replaced by A.
Protein change: p.Asp300Glu; replaces aspartic acid 300 with glutamic acid.
Molecular consequence: missense variant.
Genome position (GRCh38, 1-based): chr17:58,360,201, G>T on the plus strand (C>A on the coding strand, the complement: RNF43 is on the minus strand). VCF-style: chr17-58360201-G-T. GRCh37 (hg19) VCF-style: chr17-56437562-G-T.
Other names: c.900C>A, p.Asp300Glu (NM_001305544.3); c.519C>A, p.Asp173Glu (NM_001305545.2); short protein forms D300E, D173E.
Identifiers: ClinVar variation 3946823 (VCV003946823.1).